The following is an entry in ClinVar:

ClinVar aggregate classification (germline): Uncertain significance. Review status: criteria provided, multiple submitters, no conflicts (2 of 4 stars). 2 submissions from 2 submitters: Uncertain significance (2). Last evaluated 2024-05-07.

Allele frequency attached by ClinVar (database versions not stated): gnomAD 0.00005 and 0.00006; gnomAD exomes 0.00006; ExAC 0.00007; ESP Exome Variant Server 0.00008; TOPMed 0.00009.

Submissions (2):

Labcorp Genetics (formerly Invitae), Labcorp
Classification: Uncertain significance. Last evaluated: 2024-05-07. Review status: criteria provided, single submitter. Criteria: Invitae Variant Classification Sherloc (09022015). Collection method: clinical testing. Allele origin: germline.
Comment: This sequence change replaces arginine, which is basic and polar, with glutamine, which is neutral and polar, at codon 44 of the HMOX1 protein (p.Arg44Gln). The frequency data for this variant in the population databases is considered unreliable, as metrics indicate poor data quality at this position in the gnomAD database. This variant has not been reported in the literature in individuals affected with HMOX1-related conditions. ClinVar contains an entry for this variant (Variation ID: 1058925). Algorithms developed to predict the effect of missense changes on protein structure and function output the following: SIFT: "Not Available"; PolyPhen-2: "Benign"; Align-GVGD: "Not Available". The glutamine amino acid residue is found in multiple mammalian species, which suggests that this missense change does not adversely affect protein function. In summary, the available evidence is currently insufficient to determine the role of this variant in disease. Therefore, it has been classified as a Variant of Uncertain Significance.

Mayo Clinic Laboratories, Mayo Clinic
Classification: Uncertain significance. Last evaluated: 2023-12-28. Review status: criteria provided, single submitter. Criteria: ACMG Guidelines, 2015. Collection method: clinical testing. Allele origin: germline. Observed: 1 variant allele.
Comment: BP4, PM2_moderate

NM_002133.3(HMOX1):c.131G>A (p.Arg44Gln)

Gene: HMOX1 (heme oxygenase 1; plus strand). Cytogenetic location: 22q12.3.
Variant type: single nucleotide variant.
Coding change: c.131G>A on transcript NM_002133.3 (MANE Select); coding-DNA position 131, G replaced by A.
Protein change: p.Arg44Gln; replaces arginine 44 with glutamine.
Molecular consequence: missense variant.
Genome position (GRCh38, 1-based): chr22:35,383,213, G>A. VCF-style: chr22-35383213-G-A. GRCh37 (hg19) VCF-style: chr22-35779206-G-A.
Other names: p.Arg44Gln; short protein forms R44Q.
Identifiers: ClinVar variation 1058925 (VCV001058925.6), dbSNP rs149118304, ClinGen allele CA10204620.